The following is an entry in ClinVar:

NM_001866.3(COX7B):c.235A>G (p.Asn79Asp)

Gene: COX7B (cytochrome c oxidase subunit 7B; plus strand). Cytogenetic location: Xq21.1.
Variant type: single nucleotide variant.
Coding change: c.235A>G on transcript NM_001866.3 (MANE Select); coding-DNA position 235, A replaced by G.
Protein change: p.Asn79Asp; replaces asparagine 79 with aspartic acid.
Molecular consequence: missense variant.
Genome position (GRCh38, 1-based): chrX:77,905,253, A>G. VCF-style: chrX-77905253-A-G. GRCh37 (hg19) VCF-style: chrX-77160750-A-G.
Other names: short protein forms N79D.
Identifiers: ClinVar variation 2762405 (VCV002762405.3), dbSNP rs781812051, ClinGen allele CA10458709.

ClinVar aggregate classification (germline): Uncertain significance (1 of 4 stars; one submission).

Allele frequency attached by ClinVar (database versions not stated): ExAC 0.00001; TOPMed 0.00001; gnomAD 0.00002; gnomAD exomes 0.00002.
gnomAD v4.1: 20 of 1,196,547 alleles (0.0017%); highest among the groups gnomAD compares: Middle Eastern, 0.061%; no homozygotes.

Submission:

Labcorp Genetics (formerly Invitae), Labcorp
Classification: Uncertain significance. Last evaluated: 2023-07-15. Review status: criteria provided, single submitter. Criteria: Invitae Variant Classification Sherloc (09022015). Collection method: clinical testing. Allele origin: germline.
Comment: In summary, the available evidence is currently insufficient to determine the role of this variant in disease. Therefore, it has been classified as a Variant of Uncertain Significance. Algorithms developed to predict the effect of missense changes on protein structure and function output the following: SIFT: "Not Available"; PolyPhen-2: "Benign"; Align-GVGD: "Not Available". The aspartic acid amino acid residue is found in multiple mammalian species, which suggests that this missense change does not adversely affect protein function. This variant has not been reported in the literature in individuals affected with COX7B-related conditions. This variant is present in population databases (rs781812051, gnomAD 0.02%). This sequence change replaces asparagine, which is neutral and polar, with aspartic acid, which is acidic and polar, at codon 79 of the COX7B protein (p.Asn79Asp).